The following is an entry in ClinVar:

NM_022168.4(IFIH1):c.1958A>G (p.Tyr653Cys)

Gene: IFIH1 (interferon induced with helicase C domain 1; minus strand). Cytogenetic location: 2q24.2.
Variant type: single nucleotide variant.
Coding change: c.1958A>G on transcript NM_022168.4 (MANE Select); coding-DNA position 1958, A replaced by G.
Protein change: p.Tyr653Cys; replaces tyrosine 653 with cysteine.
Molecular consequence: missense variant.
Genome position (GRCh38, 1-based): chr2:162,277,501, T>C on the plus strand (A>G on the coding strand, the complement: IFIH1 is on the minus strand). VCF-style: chr2-162277501-T-C. GRCh37 (hg19) VCF-style: chr2-163134011-T-C.
Other names: short protein forms Y653C.
Identifiers: ClinVar variation 1468796 (VCV001468796.9), dbSNP rs1213233883, ClinGen allele CA348998784.

ClinVar aggregate classification (germline): Uncertain significance. Review status: criteria provided, multiple submitters, no conflicts (2 of 4 stars). 2 submissions from 2 submitters: Uncertain significance (2). Last evaluated 2025-12-15.

Conditions:
Singleton-Merten syndrome 1 (SGMRT1). Also called: Syndrome of widened medullary cavities of the metacarpals and phalanges, aortic calcification and abnormal dentition; Widened medullary cavities of bone, aortic calcification, abnormal dentition, and muscular weakness. Identifiers: Orphanet 85191, MedGen C4225427, MONDO:0024535, OMIM 182250.
Aicardi-Goutieres syndrome 7 (AGS7). Identifiers: Orphanet 51, MedGen C3888244, MONDO:0014367, OMIM 615846.

Allele frequency attached by ClinVar (database versions not stated): gnomAD exomes 0.00001 and below 0.00001; TOPMed 0.00002; gnomAD 0.00001.
gnomAD v4.1: 19 of 1,586,404 alleles (0.0012%); highest among the groups gnomAD compares: Admixed American, 0.0017%; no homozygotes.

Submissions (2):

Labcorp Genetics (formerly Invitae), Labcorp
Classification: Uncertain significance for Aicardi-Goutieres syndrome 7; Singleton-Merten syndrome 1. Last evaluated: 2025-12-15. Review status: criteria provided, single submitter. Criteria: Invitae Variant Classification Sherloc (09022015). Collection method: clinical testing. Allele origin: germline.
Comment: This sequence change replaces tyrosine, which is neutral and polar, with cysteine, which is neutral and slightly polar, at codon 653 of the IFIH1 protein (p.Tyr653Cys). This variant is present in population databases (no rsID available, gnomAD 0.002%). This variant has not been reported in the literature in individuals affected with IFIH1-related conditions. This missense change has been observed in at least one individual who was not affected with IFIH1-related conditions (internal data). ClinVar contains an entry for this variant (Variation ID: 1468796). Invitae Evidence Modeling of protein sequence and biophysical properties (such as structural, functional, and spatial information, amino acid conservation, physicochemical variation, residue mobility, and thermodynamic stability) has been performed for this missense variant. However, the output from this modeling did not meet the statistical confidence thresholds required to predict the impact of this variant on IFIH1 protein function. In summary, the available evidence is currently insufficient to determine the role of this variant in disease. Therefore, it has been classified as a Variant of Uncertain Significance.

Breakthrough Genomics
Classification: Uncertain significance. Review status: criteria provided, single submitter. Criteria: ACMG Guidelines, 2015. Collection method: not provided. Allele origin: germline. Inheritance: Autosomal recessive inheritance. Affected: yes.